The following is an entry in ClinVar:

ClinVar aggregate classification (germline): Uncertain significance (1 of 4 stars; one submission).

Conditions:
Cardiomyopathy (CMYO). Also called: Cardiomyopathies. Identifiers: Orphanet 167848, MedGen C0878544, MONDO:0004994, HP:0001638. Inheritance: Various modes of inheritance.

Allele frequency attached by ClinVar (database versions not stated): gnomAD exomes below 0.00001.
gnomAD v4.1: 3 of 1,614,174 alleles (0.00019%); highest among the groups gnomAD compares: Middle Eastern, 0.016%; no homozygotes.

Submission:

Color Diagnostics, LLC DBA Color Health
Classification: Uncertain significance for Cardiomyopathy. Last evaluated: 2024-03-06. Review status: criteria provided, single submitter. Criteria: ACMG Guidelines, 2015. Collection method: clinical testing. Allele origin: germline.
Comment: This missense variant replaces glutamine with arginine at codon 1866 of the DSP protein. Computational prediction suggests that this variant may not impact protein structure and function (internally defined REVEL score threshold <= 0.5, PMID: 27666373). To our knowledge, functional studies have not been reported for this variant. This variant has not been reported in individuals affected with cardiovascular disorders in the literature. This variant has not been identified in the general population by the Genome Aggregation Database (gnomAD). The available evidence is insufficient to determine the role of this variant in disease conclusively. Therefore, this variant is classified as a Variant of Uncertain Significance.

NM_004415.4(DSP):c.5597A>G (p.Gln1866Arg)

Gene: DSP (desmoplakin; plus strand). Cytogenetic location: 6p24.3.
Variant type: single nucleotide variant.
Coding change: c.5597A>G on transcript NM_004415.4 (MANE Select); coding-DNA position 5597, A replaced by G.
Protein change: p.Gln1866Arg; replaces glutamine 1866 with arginine.
Molecular consequence: missense variant.
Genome position (GRCh38, 1-based): chr6:7,582,859, A>G. VCF-style: chr6-7582859-A-G. GRCh37 (hg19) VCF-style: chr6-7583092-A-G.
Other names: c.3800A>G, p.Gln1267Arg (NM_001008844.3); c.4268A>G, p.Gln1423Arg (NM_001319034.2); short protein forms Q1267R, Q1423R, Q1866R.
Identifiers: ClinVar variation 2775328 (VCV002775328.2), dbSNP rs1231425417, ClinGen allele CA362688978.